The following is an entry in ClinVar:

ClinVar aggregate classification (germline): Likely benign (0 of 4 stars; one submission).

Conditions:
GATA2-related disorder. Also called: GATA2-related condition; GATA2-Related Disorders.

Submission:

PreventionGenetics, part of Exact Sciences
Classification: Likely benign for GATA2-related condition. Last evaluated: 2022-09-21. Review status: no assertion criteria provided. Collection method: clinical testing. Allele origin: germline.
Comment: This variant is classified as likely benign based on ACMG/AMP sequence variant interpretation guidelines (Richards et al. 2015 PMID: 25741868, with internal and published modifications).

NM_032638.5(GATA2):c.1194G>A (p.Arg398=)

Gene: GATA2 (GATA binding protein 2; minus strand). Cytogenetic location: 3q21.3.
Variant type: single nucleotide variant.
Coding change: c.1194G>A on transcript NM_032638.5 (MANE Select); coding-DNA position 1194, G replaced by A.
Protein change: p.Arg398=; no amino-acid change (arginine 398 retained).
Molecular consequence: synonymous variant.
Genome position (GRCh38, 1-based): chr3:128,481,268, C>T on the plus strand (G>A on the coding strand, the complement: GATA2 is on the minus strand). VCF-style: chr3-128481268-C-T. GRCh37 (hg19) VCF-style: chr3-128200111-C-T.
Other names: c.1194G>A, p.Arg398= (NM_001145661.2); c.1152G>A, p.Arg384= (NM_001145662.1).
Identifiers: ClinVar variation 3048900 (VCV003048900.2), dbSNP rs1576744514, ClinGen allele CA435525088.
Genomic context (GRCh38, chr3:128,481,268, plus strand): 5'-TGACAGCTCCTCGAAGCACTCCGCCCCTTTCTTGCTCTTCTTGGACTTGTTGGACATCTT[C>T]CGGTTCCGAGTCTGGATCCCTTCCTTCTTCATGGTCAGTGGCCTGTTAACCTAGAGGCAA-3'
Protein context (NP_116027.2, residues 388-408): MKKEGIQTRN[Arg398=]KMSNKSKKSK